The following is an entry in ClinVar:

ClinVar aggregate classification (germline): Pathogenic (0 of 4 stars; one submission).

Conditions:
Fanconi anemia complementation group A (FANCA). Also called: Fanconi anemia, group A; FANCA-Related Fanconi Anemia. Identifiers: Orphanet 84, MedGen C3469521, MONDO:0009215, OMIM 227650.

Submission:

Leiden Open Variation Database
Classification: Pathogenic for Fanconi anemia complementation group A. Last evaluated: 2020-02-28. Review status: no assertion criteria provided. Collection method: curation. Allele origin: germline. Affected: yes.
Comment: Curator: Arleen D. Auerbach. Submitter to LOVD: Sue Richards.

NC_000016.10:g.(89773385_89775741)_(89808368_89810706)del

Gene: FANCA (FA complementation group A; minus strand). Cytogenetic location: 16q24.3.
Variant type: Deletion.
Identifiers: ClinVar variation 974198 (VCV000974198.1).